The following is an entry in ClinVar:

ClinVar aggregate classification (germline): Uncertain significance (1 of 4 stars; one submission).

Conditions:
Encephalopathy, acute, infection-induced (herpes-specific), susceptibility to, 1. Also called: Herpes simplex encephalitis, susceptibility to, 1. Identifiers: Orphanet 1930, MedGen C2750180, MONDO:0024563, OMIM 610551.

Allele frequency attached by ClinVar (database versions not stated): TOPMed 0.00001; gnomAD 0.00001; gnomAD exomes below 0.00001.
gnomAD v4.1: 3 of 1,614,016 alleles (0.00019%); highest among the groups gnomAD compares: Non-Finnish European, 0.00025%; no homozygotes.

Submission:

Labcorp Genetics (formerly Invitae), Labcorp
Classification: Uncertain significance for Encephalopathy, acute, infection-induced (herpes-specific), susceptibility to, 1. Last evaluated: 2022-06-13. Review status: criteria provided, single submitter. Criteria: Invitae Variant Classification Sherloc (09022015). Collection method: clinical testing. Allele origin: germline.
Comment: In summary, the available evidence is currently insufficient to determine the role of this variant in disease. Therefore, it has been classified as a Variant of Uncertain Significance. Algorithms developed to predict the effect of missense changes on protein structure and function output the following: SIFT: "Tolerated"; PolyPhen-2: "Benign"; Align-GVGD: "Class C0". The alanine amino acid residue is found in multiple mammalian species, which suggests that this missense change does not adversely affect protein function. This variant has not been reported in the literature in individuals affected with TLR3-related conditions. This variant is not present in population databases (gnomAD no frequency). This sequence change replaces valine, which is neutral and non-polar, with alanine, which is neutral and non-polar, at codon 881 of the TLR3 protein (p.Val881Ala).

NM_003265.3(TLR3):c.2642T>C (p.Val881Ala)

Gene: TLR3 (toll like receptor 3; plus strand). Cytogenetic location: 4q35.1.
Variant type: single nucleotide variant.
Coding change: c.2642T>C on transcript NM_003265.3 (MANE Select); coding-DNA position 2642, T replaced by C.
Protein change: p.Val881Ala; replaces valine 881 with alanine.
Molecular consequence: missense variant.
Genome position (GRCh38, 1-based): chr4:186,084,800, T>C. VCF-style: chr4-186084800-T-C. GRCh37 (hg19) VCF-style: chr4-187005954-T-C.
Other names: short protein forms V881A.
Identifiers: ClinVar variation 1517439 (VCV001517439.8), dbSNP rs1028461434, ClinGen allele CA112099924.